The following is an entry in ClinVar:

ClinVar aggregate classification (germline): Uncertain significance (0 of 4 stars; one submission).

Submission:

Diagnostics Centre, Carl Von Ossietzky University Oldenburg
Classification: Uncertain significance. Last evaluated: 2025-07-16. Review status: no assertion criteria provided. Collection method: clinical testing. Allele origin: germline. Affected: yes. Observed: 1 variant allele.
Comment: The variant SPEG:c.2882-989G>A, results from a guanine-to-adenine substitution at nucleotide intronic position c.2882-989. The variant has not yet been described in ClinVar or in any publications known to us. The variant is not located in a splice region and is not predicted to have splice-altering consequence. The variant is classified as very rare since it is absent in gnomAD v4.1.0. In summary, the variant is classified as variant of uncertain significance.

NM_005876.5(SPEG):c.2882-989G>A

Gene: SPEG (striated muscle enriched protein kinase; plus strand). Cytogenetic location: 2q35.
Variant type: single nucleotide variant.
Coding change: c.2882-989G>A on transcript NM_005876.5 (MANE Select); 989 bases into the intron before coding-DNA position 2882, G replaced by A.
Molecular consequence: intron variant. On other transcripts: 3 prime UTR variant (12).
Genome position (GRCh38, 1-based): chr2:219,466,185, G>A. VCF-style: chr2-219466185-G-A. GRCh37 (hg19) VCF-style: chr2-220330907-G-A.
Other names: c.*121G>A (NM_001173476.2, NM_001438924.1, NM_001438925.1 and 9 more transcripts).
Identifiers: ClinVar variation 4845258 (VCV004845258.1).